The following is an entry in ClinVar:

ClinVar aggregate classification (germline): Likely benign (0 of 4 stars; one submission).

Conditions:
DSP-related disorder. Also called: DSP-related disorders; DSP-related condition.

Allele frequency attached by ClinVar (database versions not stated): gnomAD exomes below 0.00001.
gnomAD v4.1: 1 of 1,614,100 alleles (0.000062%); highest among the groups gnomAD compares: Non-Finnish European, 0.000085%; no homozygotes.

Submission:

PreventionGenetics, part of Exact Sciences
Classification: Likely benign for DSP-related condition. Last evaluated: 2022-03-16. Review status: no assertion criteria provided. Collection method: clinical testing. Allele origin: germline.
Comment: This variant is classified as likely benign based on ACMG/AMP sequence variant interpretation guidelines (Richards et al. 2015 PMID: 25741868, with internal and published modifications).

NM_004415.4(DSP):c.8154C>G (p.Leu2718=)

Gene: DSP (desmoplakin; plus strand). Cytogenetic location: 6p24.3.
Variant type: single nucleotide variant.
Coding change: c.8154C>G on transcript NM_004415.4 (MANE Select); coding-DNA position 8154, C replaced by G.
Protein change: p.Leu2718=; no amino-acid change (leucine 2718 retained).
Molecular consequence: synonymous variant.
Genome position (GRCh38, 1-based): chr6:7,585,416, C>G. VCF-style: chr6-7585416-C-G. GRCh37 (hg19) VCF-style: chr6-7585649-C-G.
Other names: c.6357C>G, p.Leu2119= (NM_001008844.3); c.6825C>G, p.Leu2275= (NM_001319034.2).
Identifiers: ClinVar variation 3043700 (VCV003043700.2), dbSNP rs1581825719, ClinGen allele CA448717154.